The following is an entry in ClinVar:

ClinVar aggregate classification (germline): Uncertain significance (1 of 4 stars; one submission).

Conditions:
Familial thoracic aortic aneurysm and aortic dissection (TAAD). Also called: Thoracic aortic aneurysms and dissections. Identifiers: Orphanet 91387, MedGen C4707243, MONDO:0019625.

Submission:

Ambry Genetics
Classification: Uncertain significance for Familial thoracic aortic aneurysm and aortic dissection. Last evaluated: 2026-05-28. Review status: criteria provided, single submitter. Criteria: Ambry Variant Classification Scheme 2023. Collection method: clinical testing. Allele origin: germline.
Comment: The p.T2201A variant (also known as c.6601A>G), located in coding exon 39 of the FLNA gene, results from an A to G substitution at nucleotide position 6601. The threonine at codon 2201 is replaced by alanine, an amino acid with similar properties. This amino acid position is conserved. In addition, this alteration is predicted to be tolerated by in silico analysis. Based on the available evidence, the clinical significance of this variant remains unclear.

NM_001110556.2(FLNA):c.6625A>G (p.Thr2209Ala)

Gene: FLNA (filamin A; minus strand). Cytogenetic location: Xq28.
Variant type: single nucleotide variant.
Coding change: c.6625A>G on transcript NM_001110556.2 (MANE Select); coding-DNA position 6625, A replaced by G.
Protein change: p.Thr2209Ala; replaces threonine 2209 with alanine.
Molecular consequence: missense variant.
Genome position (GRCh38, 1-based): chrX:154,352,325, T>C on the plus strand (A>G on the coding strand, the complement: FLNA is on the minus strand). VCF-style: chrX-154352325-T-C. GRCh37 (hg19) VCF-style: chrX-153580693-T-C.
Other names: c.6601A>G, p.Thr2201Ala (NM_001456.4); short protein forms T2201A, T2209A.
Identifiers: ClinVar variation 4871444 (VCV004871444.1).
Genomic context (GRCh38, chrX:154,352,325, plus strand): 5'-TGAACTGGAAGGGGCTCCCAGGCACGTGCTGGCCCTTGTACTTCACGCTGACTGTGTGTG[T>C]GCCCATCTCAGCGGGAACAAAGCGGATGCAGTAGGTGTGGTTCTCCCCTTCCACGATCTC-3'
Protein context (NP_001104026.1, residues 2199-2219): CIRFVPAEMG[Thr2209Ala]HTVSVKYKGQ